The following is an entry in ClinVar:

ClinVar aggregate classification (germline): Likely benign (1 of 4 stars; one submission).

gnomAD v4.1: 10 of 1,614,214 alleles (0.00062%); highest among the groups gnomAD compares: Non-Finnish European, 0.00085%; no homozygotes.

Submission:

CeGaT Center for Human Genetics Tuebingen
Classification: Likely benign. Last evaluated: 2025-02-01. Review status: criteria provided, single submitter. Criteria: CeGaT Center For Human Genetics Tuebingen Variant Classification Criteria Version 2. Collection method: clinical testing. Allele origin: germline. Affected: yes. Observed: 1 variant allele.
Comment: SMG8: BP4, BP7

NM_018149.7(SMG8):c.2466A>G (p.Lys822=)

Gene: SMG8 (SMG8 nonsense mediated mRNA decay factor; plus strand). Cytogenetic location: 17q22.
Variant type: single nucleotide variant.
Coding change: c.2466A>G on transcript NM_018149.7 (MANE Select); coding-DNA position 2466, A replaced by G.
Protein change: p.Lys822=; no amino-acid change (lysine 822 retained).
Molecular consequence: synonymous variant.
Genome position (GRCh38, 1-based): chr17:59,213,289, A>G. VCF-style: chr17-59213289-A-G. GRCh37 (hg19) VCF-style: chr17-57290650-A-G.
Identifiers: ClinVar variation 3770653 (VCV003770653.13).
Genomic context (GRCh38, chr17:59,213,289, plus strand): 5'-CAGGACTAGAGCTGAAGATGAAGGAGACTTAGACACAAACTCTTGGCCTGCTCCAAATAA[A>G]GCTATTCCTGGAAAGAGAAGTGCGGTTGTAATGGGAAGAGGAAGACGGCGAGATGACATA-3'
Protein context (NP_060619.4, residues 812-832): LDTNSWPAPN[Lys822=]AIPGKRSAVV